The following is an entry in ClinVar:

NM_000421.5(KRT10):c.1596T>C (p.Gly532=)

Gene: KRT10 (keratin 10; minus strand). Cytogenetic location: 17q21.2.
Variant type: single nucleotide variant.
Coding change: c.1596T>C on transcript NM_000421.5 (MANE Select); coding-DNA position 1596, T replaced by C.
Protein change: p.Gly532=; no amino-acid change (glycine 532 retained).
Molecular consequence: synonymous variant.
Genome position (GRCh38, 1-based): chr17:40,818,939, A>G on the plus strand (T>C on the coding strand, the complement: KRT10 is on the minus strand). VCF-style: chr17-40818939-A-G. GRCh37 (hg19) VCF-style: chr17-38975191-A-G.
Other names: c.1596T>C, p.Gly532= (NM_001379366.1).
Identifiers: ClinVar variation 4872883 (VCV004872883.2).

ClinVar aggregate classification (germline): Likely benign (1 of 4 stars; one submission).

Submission:

CeGaT Center for Human Genetics Tuebingen
Classification: Likely benign. Last evaluated: 2026-06-01. Review status: criteria provided, single submitter. Criteria: CeGaT Center For Human Genetics Tuebingen Variant Classification Criteria Version 2. Collection method: clinical testing. Allele origin: germline. Affected: yes. Observed: 1 variant allele.
Comment: KRT10: BP4, BP7